The following is an entry in ClinVar:

ClinVar aggregate classification (germline): Uncertain significance (1 of 4 stars; one submission).

Conditions:
Catecholaminergic polymorphic ventricular tachycardia 1. Also called: VENTRICULAR TACHYCARDIA, STRESS-INDUCED POLYMORPHIC 1; VENTRICULAR TACHYCARDIA, CATECHOLAMINERGIC POLYMORPHIC, 1, WITH OR WITHOUT ATRIAL DYSFUNCTION AND/OR DILATED CARDIOMYOPATHY; RYR2-Related Catecholaminergic Polymorphic Ventricular Tachycardia. Identifiers: Orphanet 3286, MedGen C1631597, MONDO:0011484, OMIM 604772.

Submission:

Labcorp Genetics (formerly Invitae), Labcorp
Classification: Uncertain significance for Catecholaminergic polymorphic ventricular tachycardia 1. Last evaluated: 2025-08-14. Review status: criteria provided, single submitter. Criteria: Invitae Variant Classification Sherloc (09022015). Collection method: clinical testing. Allele origin: germline.
Comment: This sequence change creates a premature translational stop signal (p.Gln3114*) in the RYR2 gene. It is expected to result in an absent or disrupted protein product. However, the current clinical and genetic evidence is not sufficient to establish whether loss-of-function variants in RYR2 cause disease. This variant is not present in population databases (gnomAD no frequency). This variant has not been reported in the literature in individuals affected with RYR2-related conditions. ClinVar contains an entry for this variant (Variation ID: 2053186). In summary, the available evidence is currently insufficient to determine the role of this variant in disease. Therefore, it has been classified as a Variant of Uncertain Significance.

NM_001035.3(RYR2):c.9340C>T (p.Gln3114Ter)

Gene: RYR2 (ryanodine receptor 2; plus strand). Cytogenetic location: 1q43.
Variant type: single nucleotide variant.
Coding change: c.9340C>T on transcript NM_001035.3 (MANE Select); coding-DNA position 9340, C replaced by T.
Protein change: p.Gln3114Ter; replaces glutamine 3114 with a stop codon.
Molecular consequence: nonsense.
Genome position (GRCh38, 1-based): chr1:237,700,440, C>T. VCF-style: chr1-237700440-C-T. GRCh37 (hg19) VCF-style: chr1-237863740-C-T.
Other names: short protein forms Q3114*.
Identifiers: ClinVar variation 2053186 (VCV002053186.4), dbSNP rs2547365937, ClinGen allele CA345406206.
Genomic context (GRCh38, chr1:237,700,440, plus strand): 5'-ATCAATTACACCACAGTGGCCCTGCTGCCAATGCTGTCTTCATTATTTGAACATATTGGC[C>T]AGCATCAGTTCGGAGAAGACCTAATATGTATGTAAATTTATATCTTGGAGTTTTTTTTTT-3'